The following is an entry in ClinVar:

ClinVar aggregate classification (germline): Likely benign. Review status: criteria provided, multiple submitters, no conflicts (2 of 4 stars). 3 submissions from 3 submitters: Likely benign (3). Last evaluated 2025-06-02.

Conditions:
ALG1-congenital disorder of glycosylation. Also called: ALG1-CDG; CONGENITAL DISORDER OF GLYCOSYLATION, TYPE Ik; CDG Ik. Identifiers: Orphanet 79327, MedGen C2931005, MONDO:0012052, OMIM 608540.

Allele frequency attached by ClinVar (database versions not stated): gnomAD 0.00003; TOPMed 0.00003; ESP Exome Variant Server 0.00008.
gnomAD v4.1: 33 of 1,613,688 alleles (0.002%); highest among the groups gnomAD compares: African/African-American, 0.004%; no homozygotes.

Submissions (3):

Labcorp Genetics (formerly Invitae), Labcorp
Classification: Likely benign for ALG1-congenital disorder of glycosylation. Last evaluated: 2025-06-02. Review status: criteria provided, single submitter. Criteria: Invitae Variant Classification Sherloc (09022015). Collection method: clinical testing. Allele origin: germline.

Fulgent Genetics
Classification: Likely benign for ALG1-congenital disorder of glycosylation. Last evaluated: 2021-09-06. Review status: criteria provided, single submitter. Criteria: ACMG Guidelines, 2015. Collection method: clinical testing. Allele origin: unknown.

GeneDx
Classification: Likely benign. Last evaluated: 2017-08-15. Review status: criteria provided, single submitter. Criteria: GeneDx Variant Classification (06012015). Collection method: clinical testing. Allele origin: germline. Affected: yes.
Comment: This variant is considered likely benign or benign based on one or more of the following criteria: it is a conservative change, it occurs at a poorly conserved position in the protein, it is predicted to be benign by multiple in silico algorithms, and/or has population frequency not consistent with disease.

NM_019109.5(ALG1):c.286+10C>T

Gene: ALG1 (ALG1 chitobiosyldiphosphodolichol beta-mannosyltransferase; plus strand). Cytogenetic location: 16p13.3.
Variant type: single nucleotide variant.
Coding change: c.286+10C>T on transcript NM_019109.5 (MANE Select); 10 bases into the intron after coding-DNA position 286, C replaced by T.
Molecular consequence: intron variant.
Genome position (GRCh38, 1-based): chr16:5,073,038, C>T. VCF-style: chr16-5073038-C-T. GRCh37 (hg19) VCF-style: chr16-5123039-C-T.
Other names: c.-48+10C>T (NM_001330504.2).
Identifiers: ClinVar variation 511137 (VCV000511137.9), dbSNP rs371480769, ClinGen allele CA277196546.
Genomic context (GRCh38, chr16:5,073,038, plus strand): 5'-AGAACAACAGAATTCAGATTGTGGGGTTGACAGAACTTCAGAGTCTTGCAGGTAGGATGC[C>T]GTCAACTCCAGAATCCTCTGAATCCATGGGCTGGGGGCAGGGGGTGTTCGTTTGAAAAGC-3'